The following is an entry in ClinVar:

ClinVar aggregate classification (germline): Likely benign (1 of 4 stars; one submission).

gnomAD v4.1: 51 of 1,613,598 alleles (0.0032%); highest among the groups gnomAD compares: South Asian, 0.056%; no homozygotes.

Submission:

CeGaT Center for Human Genetics Tuebingen
Classification: Likely benign. Last evaluated: 2025-06-01. Review status: criteria provided, single submitter. Criteria: CeGaT Center For Human Genetics Tuebingen Variant Classification Criteria Version 2. Collection method: clinical testing. Allele origin: germline. Affected: yes. Observed: 1 variant allele.
Comment: NUDT12: BP4, BP7

NM_031438.4(NUDT12):c.87A>T (p.Thr29=)

Gene: NUDT12 (nudix hydrolase 12; minus strand). Cytogenetic location: 5q21.2.
Variant type: single nucleotide variant.
Coding change: c.87A>T on transcript NM_031438.4 (MANE Select); coding-DNA position 87, A replaced by T.
Protein change: p.Thr29=; no amino-acid change (threonine 29 retained).
Molecular consequence: synonymous variant.
Genome position (GRCh38, 1-based): chr5:103,560,162, T>A on the plus strand (A>T on the coding strand, the complement: NUDT12 is on the minus strand). VCF-style: chr5-103560162-T-A. GRCh37 (hg19) VCF-style: chr5-102895863-T-A.
Other names: c.87A>T, p.Thr29= (NM_001300741.2).
Identifiers: ClinVar variation 3905962 (VCV003905962.10).